The following is an entry in ClinVar:

NM_004153.4(ORC1):c.189G>T (p.Pro63=)

Gene: ORC1 (origin recognition complex subunit 1; minus strand). Cytogenetic location: 1p32.3.
Variant type: single nucleotide variant.
Coding change: c.189G>T on transcript NM_004153.4 (MANE Select); coding-DNA position 189, G replaced by T.
Protein change: p.Pro63=; no amino-acid change (proline 63 retained).
Molecular consequence: synonymous variant.
Genome position (GRCh38, 1-based): chr1:52,401,396, C>A on the plus strand (G>T on the coding strand, the complement: ORC1 is on the minus strand). VCF-style: chr1-52401396-C-A. GRCh37 (hg19) VCF-style: chr1-52867068-C-A.
Other names: c.189G>T, p.Pro63= (NM_001190818.2, NM_001190819.2).
Identifiers: ClinVar variation 874949 (VCV000874949.15), dbSNP rs201244952, ClinGen allele CA853668.

ClinVar aggregate classification (germline): Benign/Likely benign. Review status: criteria provided, multiple submitters, no conflicts (2 of 4 stars). 4 submissions from 4 submitters: Benign (1); Likely benign (2). 1 of the submissions does not count toward it. Last evaluated 2023-09-26.

Conditions:
Meier-Gorlin syndrome 1 (MGORS1). Also called: EAR, PATELLA, SHORT STATURE SYNDROME. Identifiers: Orphanet 2554, MedGen C4552001, MONDO:0009143, OMIM 224690.
ORC1-related disorder. Also called: ORC1-related condition.

Allele frequency attached by ClinVar (database versions not stated): TOPMed 0.00015; 1000 Genomes Project 30x 0.00031; 1000 Genomes Project 0.00040.
gnomAD v4.1: 87 of 1,613,984 alleles (0.0054%); highest among the groups gnomAD compares: East Asian, 0.19%; no homozygotes.

Submissions (4):

Blueprint Genetics
Classification: Likely benign. Last evaluated: 2023-09-26. Review status: criteria provided, single submitter. Criteria: ACMG Guidelines, 2015. Collection method: clinical testing. Allele origin: germline.

Labcorp Genetics (formerly Invitae), Labcorp
Classification: Benign. Last evaluated: 2022-08-25. Review status: criteria provided, single submitter. Criteria: Invitae Variant Classification Sherloc (09022015). Collection method: clinical testing. Allele origin: germline.

Illumina Laboratory Services, Illumina
Classification: Likely benign for Meier-Gorlin syndrome 1. Last evaluated: 2017-04-27. Review status: criteria provided, single submitter. Criteria: ICSL Variant Classification Criteria 13 December 2019. Collection method: clinical testing. Allele origin: germline.
Comment: This variant was observed as part of a predisposition screen in an ostensibly healthy population. A literature search was performed for the gene, cDNA change, and amino acid change (where applicable). No publications were found based on this search. Allele frequency data from public databases allowed determination this variant is unlikely to cause disease. Therefore, this variant is classified as likely benign.

PreventionGenetics, part of Exact Sciences
Classification: Likely benign for ORC1-related condition. Last evaluated: 2019-08-08. Review status: no assertion criteria provided. Collection method: clinical testing. Allele origin: germline. Not counted in ClinVar's aggregate classification.
Comment: This variant is classified as likely benign based on ACMG/AMP sequence variant interpretation guidelines (Richards et al. 2015 PMID: 25741868, with internal and published modifications).